The following is an entry in ClinVar:

NM_000487.6(ARSA):c.564C>T (p.Ser188=)

Gene: ARSA (arylsulfatase A; minus strand). Cytogenetic location: 22q13.33.
Variant type: single nucleotide variant.
Coding change: c.564C>T on transcript NM_000487.6 (MANE Select); coding-DNA position 564, C replaced by T.
Protein change: p.Ser188=; no amino-acid change (serine 188 retained).
Molecular consequence: synonymous variant.
Genome position (GRCh38, 1-based): chr22:50,626,954, G>A on the plus strand (C>T on the coding strand, the complement: ARSA is on the minus strand). VCF-style: chr22-50626954-G-A. GRCh37 (hg19) VCF-style: chr22-51065382-G-A.
Other names: c.564C>T, p.Ser188= (NM_001085425.3, NM_001085426.3, NM_001085427.3); c.306C>T, p.Ser102= (NM_001085428.3, NM_001362782.2).
Identifiers: ClinVar variation 703488 (VCV000703488.14), dbSNP rs113209108, ClinGen allele CA10324980.

ClinVar aggregate classification (germline): Likely benign. Review status: criteria provided, multiple submitters, no conflicts (2 of 4 stars). 3 submissions from 3 submitters: Likely benign (2). 1 of the submissions does not count toward it. Last evaluated 2026-07-08.

Conditions:
Metachromatic leukodystrophy (MLD). Also called: METACHROMATIC LEUKOENCEPHALOPATHY; Cerebral sclerosis diffuse metachromatic form; ARSA DEFICIENCY; Arylsulfatase A Deficiency; CEREBROSIDE SULFATASE DEFICIENCY; SULFATIDE LIPIDOSIS. Identifiers: Orphanet 512, MedGen C0023522, MONDO:0018868, OMIM 250100.
ARSA-related disorder. Also called: ARSA-related condition.

Allele frequency attached by ClinVar (database versions not stated): ExAC 0.00019; gnomAD exomes 0.00019; 1000 Genomes Project 0.00040; 1000 Genomes Project 30x 0.00062; gnomAD 0.00068 and 0.00071; TOPMed 0.00079; ESP Exome Variant Server 0.00092.

Submissions (3):

PreventionGenetics, part of Exact Sciences
Classification: Likely benign for ARSA-related condition. Last evaluated: 2026-07-08. Review status: criteria provided, single submitter. Criteria: ACMG Guidelines, 2015. Collection method: clinical testing. Allele origin: germline.
Comment: This variant is classified as likely benign based on ACMG/AMP sequence variant interpretation guidelines (Richards et al. 2015 PMID: 25741868, with internal and published modifications).

Labcorp Genetics (formerly Invitae), Labcorp
Classification: Likely benign for Metachromatic leukodystrophy. Last evaluated: 2026-01-28. Review status: criteria provided, single submitter. Criteria: Invitae Variant Classification Sherloc (09022015). Collection method: clinical testing. Allele origin: germline.

Natera, Inc.
Classification: Likely benign for Metachromatic leukodystrophy. Last evaluated: 2020-09-16. Review status: no assertion criteria provided. Collection method: clinical testing. Allele origin: germline. Not counted in ClinVar's aggregate classification.